The following is an entry in ClinVar:

NM_000551.4(VHL):c.120G>A (p.Pro40=)

Gene: VHL (von Hippel-Lindau tumor suppressor; plus strand). Cytogenetic location: 3p25.3.
Variant type: single nucleotide variant.
Coding change: c.120G>A on transcript NM_000551.4 (MANE Select); coding-DNA position 120, G replaced by A.
Protein change: p.Pro40=; no amino-acid change (proline 40 retained).
Molecular consequence: synonymous variant.
Genome position (GRCh38, 1-based): chr3:10,141,967, G>A. VCF-style: chr3-10141967-G-A. GRCh37 (hg19) VCF-style: chr3-10183651-G-A.
Other names: c.120G>A, p.Pro40= (NM_001354723.2, NM_198156.3).
Identifiers: ClinVar variation 700497 (VCV000700497.15), dbSNP rs1189123803, ClinGen allele CA432536337.

ClinVar aggregate classification (germline): Benign/Likely benign. Review status: criteria provided, multiple submitters, no conflicts (2 of 4 stars). 4 submissions from 4 submitters: Benign (1); Likely benign (3). Last evaluated 2025-08-17.

Conditions:
Chuvash polycythemia. Also called: POLYCYTHEMIA, VHL-DEPENDENT. Identifiers: Orphanet 238557, MedGen C1837915, MONDO:0009892, OMIM 263400.
Von Hippel-Lindau syndrome (VHLS). Also called: VHL syndrome; Von Hippel-Lindau; von Hippel–Lindau syndrome. Identifiers: Orphanet 892, MedGen C0019562, MONDO:0008667, OMIM 193300. Disease mechanism: loss of function.
Hereditary cancer-predisposing syndrome. Also called: Tumor predisposition; Hereditary neoplastic syndrome; Hereditary Cancer Syndrome; Neoplastic Syndromes, Hereditary. Identifiers: Orphanet 140162, MedGen C0027672, MeSH D009386, MONDO:0015356.

Allele frequency attached by ClinVar (database versions not stated): gnomAD exomes below 0.00001; TOPMed below 0.00001.
gnomAD v4.1: 5 of 1,555,324 alleles (0.00032%); highest among the groups gnomAD compares: African/African-American, 0.0014%; no homozygotes.

Submissions (4):

Color Diagnostics, LLC DBA Color Health
Classification: Likely benign for Von Hippel-Lindau syndrome. Last evaluated: 2025-08-17. Review status: criteria provided, single submitter. Criteria: ACMG Guidelines, 2015. Collection method: clinical testing. Allele origin: germline.

Myriad Genetics, Inc.
Classification: Benign for Von Hippel-Lindau syndrome. Last evaluated: 2025-06-10. Review status: criteria provided, single submitter. Criteria: Myriad Autosomal Dominant, Autosomal Recessive and X-Linked Classification Criteria (2023). Collection method: clinical testing. Allele origin: unknown.
Comment: This variant is considered benign. This variant is a silent/synonymous amino acid change and it is not expected to impact splicing.

Labcorp Genetics (formerly Invitae), Labcorp
Classification: Likely benign for Von Hippel-Lindau syndrome; Chuvash polycythemia. Last evaluated: 2025-05-04. Review status: criteria provided, single submitter. Criteria: Invitae Variant Classification Sherloc (09022015). Collection method: clinical testing. Allele origin: germline.

Ambry Genetics
Classification: Likely benign for Hereditary cancer-predisposing syndrome. Last evaluated: 2022-05-06. Review status: criteria provided, single submitter. Criteria: Ambry Variant Classification Scheme 2023. Collection method: clinical testing. Allele origin: germline.